The following is an entry in ClinVar:

ClinVar aggregate classification (germline): Uncertain significance (1 of 4 stars; one submission).

Conditions:
Aicardi-Goutieres syndrome 7 (AGS7). Identifiers: Orphanet 51, MedGen C3888244, MONDO:0014367, OMIM 615846.
Singleton-Merten syndrome 1 (SGMRT1). Also called: Widened medullary cavities of bone, aortic calcification, abnormal dentition, and muscular weakness; Syndrome of widened medullary cavities of the metacarpals and phalanges, aortic calcification and abnormal dentition. Identifiers: Orphanet 85191, MedGen C4225427, MONDO:0024535, OMIM 182250.

Submission:

Labcorp Genetics (formerly Invitae), Labcorp
Classification: Uncertain significance for Aicardi-Goutieres syndrome 7; Singleton-Merten syndrome 1. Last evaluated: 2021-12-25. Review status: criteria provided, single submitter. Criteria: Invitae Variant Classification Sherloc (09022015). Collection method: clinical testing. Allele origin: germline.
Comment: This sequence change replaces valine, which is neutral and non-polar, with alanine, which is neutral and non-polar, at codon 338 of the IFIH1 protein (p.Val338Ala). This variant is not present in population databases (gnomAD no frequency). This variant has not been reported in the literature in individuals affected with IFIH1-related conditions. Algorithms developed to predict the effect of missense changes on protein structure and function (SIFT, PolyPhen-2, Align-GVGD) all suggest that this variant is likely to be disruptive. In summary, the available evidence is currently insufficient to determine the role of this variant in disease. Therefore, it has been classified as a Variant of Uncertain Significance.

NM_022168.4(IFIH1):c.1013T>C (p.Val338Ala)

Gene: IFIH1 (interferon induced with helicase C domain 1; minus strand). Cytogenetic location: 2q24.2.
Variant type: single nucleotide variant.
Coding change: c.1013T>C on transcript NM_022168.4 (MANE Select); coding-DNA position 1013, T replaced by C.
Protein change: p.Val338Ala; replaces valine 338 with alanine.
Molecular consequence: missense variant.
Genome position (GRCh38, 1-based): chr2:162,288,217, A>G on the plus strand (T>C on the coding strand, the complement: IFIH1 is on the minus strand). VCF-style: chr2-162288217-A-G. GRCh37 (hg19) VCF-style: chr2-163144727-A-G.
Other names: short protein forms V338A.
Identifiers: ClinVar variation 1969779 (VCV001969779.5), dbSNP rs2468971355, ClinGen allele CA349004699.